The following is an entry in ClinVar:

NM_001393504.1(MAST3):c.560C>T (p.Pro187Leu)

Gene: MAST3 (microtubule associated serine/threonine kinase 3; plus strand). Cytogenetic location: 19p13.11.
Variant type: single nucleotide variant.
Coding change: c.560C>T on transcript NM_001393504.1 (MANE Select); coding-DNA position 560, C replaced by T.
Protein change: p.Pro187Leu; replaces proline 187 with leucine.
Molecular consequence: missense variant.
Genome position (GRCh38, 1-based): chr19:18,123,582, C>T. VCF-style: chr19-18123582-C-T. GRCh37 (hg19) VCF-style: chr19-18234392-C-T.
Other names: c.584C>T, p.Pro195Leu (NM_001393501.1); c.563C>T, p.Pro188Leu (NM_001393502.1); c.560C>T, p.Pro187Leu (NM_001393503.1); c.557C>T, p.Pro186Leu (NM_001393505.1); c.512C>T, p.Pro171Leu (NM_001393506.1, NM_001393513.1); c.539C>T, p.Pro180Leu (NM_001393507.1); c.494C>T, p.Pro165Leu (NM_001393508.1, NM_001393516.1); c.491C>T, p.Pro164Leu (NM_001393509.1, NM_001393510.1, NM_001393512.1 and 2 more transcripts); and 4 more; short protein forms P163L, P149L, P164L, P180L, P195L, P158L, P186L, P187L.
Identifiers: ClinVar variation 3543520 (VCV003543520.2).

ClinVar aggregate classification (germline): Uncertain significance. Review status: criteria provided, multiple submitters, no conflicts (2 of 4 stars). 2 submissions from 2 submitters: Uncertain significance (2). Last evaluated 2025-07-10.

Conditions:
Inborn genetic diseases. Identifiers: MedGen C0950123, MeSH D030342.

gnomAD v4.1: 13 of 1,575,092 alleles (0.00083%); highest among the groups gnomAD compares: Middle Eastern, 0.017%; no homozygotes.

Submissions (2):

Women's Health and Genetics/Laboratory Corporation of America, LabCorp
Classification: Uncertain significance. Last evaluated: 2025-07-10. Review status: criteria provided, single submitter. Criteria: LabCorp Variant Classification Summary - May 2015. Collection method: clinical testing. Allele origin: germline.
Comment: Variant summary: MAST3 c.473C>T (p.Pro158Leu) results in a non-conservative amino acid change in the encoded protein sequence. Algorithms developed to predict the effect of missense changes on protein structure and function are either unavailable or do not agree on the potential impact of this missense change. Consensus agreement among computation tools predict no significant impact on normal splicing. However, these predictions have yet to be confirmed by functional studies. The variant allele was found at a frequency of 1.5e-05 in 206876 control chromosomes. The available data on variant occurrences in the general population are insufficient to allow any conclusion about variant significance. To our knowledge, no occurrence of c.473C>T in individuals affected with Developmental And Epileptic Encephalopathy 108 and no experimental evidence demonstrating its impact on protein function have been reported. ClinVar contains an entry for this variant (Variation ID: 3543520). Based on the evidence outlined above, the variant was classified as uncertain significance.

Ambry Genetics
Classification: Uncertain significance for Inborn genetic diseases. Last evaluated: 2024-06-28. Review status: criteria provided, single submitter. Criteria: Ambry Variant Classification Scheme 2023. Collection method: clinical testing. Allele origin: germline.